The following is an entry in ClinVar:

ClinVar aggregate classification (germline): Uncertain significance (1 of 4 stars; one submission).

Conditions:
Cortical dysplasia-focal epilepsy syndrome (PTHSL1). Also called: Pitt-Hopkins-like syndrome 1. Identifiers: Orphanet 163681, Orphanet 221150, MedGen C2750246, MONDO:0012400, OMIM 610042.

Submission:

Labcorp Genetics (formerly Invitae), Labcorp
Classification: Uncertain significance for Cortical dysplasia-focal epilepsy syndrome. Last evaluated: 2023-08-24. Review status: criteria provided, single submitter. Criteria: Invitae Variant Classification Sherloc (09022015). Collection method: clinical testing. Allele origin: germline.
Comment: This sequence change replaces serine, which is neutral and polar, with arginine, which is basic and polar, at codon 287 of the CNTNAP2 protein (p.Ser287Arg). This variant is not present in population databases (gnomAD no frequency). This variant has not been reported in the literature in individuals affected with CNTNAP2-related conditions. ClinVar contains an entry for this variant (Variation ID: 536319). An algorithm developed to predict the effect of missense changes on protein structure and function (PolyPhen-2) suggests that this variant is likely to be tolerated. In summary, the available evidence is currently insufficient to determine the role of this variant in disease. Therefore, it has been classified as a Variant of Uncertain Significance.

NM_014141.6(CNTNAP2):c.861C>G (p.Ser287Arg)

Gene: CNTNAP2 (contactin associated protein 2; plus strand). Cytogenetic location: 7q35.
Variant type: single nucleotide variant.
Coding change: c.861C>G on transcript NM_014141.6 (MANE Select); coding-DNA position 861, C replaced by G.
Protein change: p.Ser287Arg; replaces serine 287 with arginine.
Molecular consequence: missense variant.
Genome position (GRCh38, 1-based): chr7:147,121,085, C>G. VCF-style: chr7-147121085-C-G. GRCh37 (hg19) VCF-style: chr7-146818177-C-G.
Other names: short protein forms S287R.
Identifiers: ClinVar variation 536319 (VCV000536319.9), dbSNP rs1015511874, ClinGen allele CA168689481.